The following is an entry in ClinVar:

NM_172107.4(KCNQ2):c.1684T>A (p.Tyr562Asn)

Gene: KCNQ2 (potassium voltage-gated channel subfamily Q member 2; minus strand). Cytogenetic location: 20q13.33.
Variant type: single nucleotide variant.
Coding change: c.1684T>A on transcript NM_172107.4 (MANE Select); coding-DNA position 1684, T replaced by A.
Protein change: p.Tyr562Asn; replaces tyrosine 562 with asparagine.
Molecular consequence: missense variant.
Genome position (GRCh38, 1-based): chr20:63,413,529, A>T on the plus strand (T>A on the coding strand, the complement: KCNQ2 is on the minus strand). VCF-style: chr20-63413529-A-T. GRCh37 (hg19) VCF-style: chr20-62044882-A-T.
Other names: c.1684T>A (NM_172107.2); c.1630T>A, p.Tyr544Asn (NM_001382235.1, NM_172106.3); c.1600T>A, p.Tyr534Asn (NM_004518.6); c.1591T>A, p.Tyr531Asn (NM_172108.5); short protein forms Y562N, Y534N, Y544N, Y531N.
Identifiers: ClinVar variation 2001199 (VCV002001199.5), dbSNP rs2516167961, ClinGen allele CA409643783.
Genomic context (GRCh38, chr20:63,413,529, plus strand): 5'-TTCGGGACAGCATGTCCAGGTGGCCGGCTGAGTACTGCTCGATGACGTCCATCACGTCGT[A>T]GGGCCGCAGGCTCTCCTTGAACTTCCGCTTGGACACCAGGAACCGCATGACACTGCAGGG-3'
Protein context (NP_742105.1, residues 552-572): KRKFKESLRP[Tyr562Asn]DVMDVIEQYS

ClinVar aggregate classification (germline): Pathogenic. Review status: criteria provided, multiple submitters, no conflicts (2 of 4 stars). 2 submissions from 2 submitters: Pathogenic (2). Last evaluated 2025-05-14.

Conditions:
Early-infantile DEE. Also called: Early infantile epileptic encephalopathy; Ohtahara syndrome; Early infantile epileptic encephalopathy with suppression bursts. Identifiers: Orphanet 1934, MedGen C0393706, MONDO:0800491.

Submissions (2):

GeneDx
Classification: Pathogenic. Last evaluated: 2025-05-14. Review status: criteria provided, single submitter. Criteria: GeneDx Variant Classification Process June 2021. Collection method: clinical testing. Allele origin: germline. Affected: yes.
Comment: Not observed at significant frequency in large population cohorts (gnomAD); In silico analysis supports that this missense variant has a deleterious effect on protein structure/function; Has not been previously published as pathogenic or benign to our knowledge; This variant is associated with the following publications: (PMID: 27602407)

Labcorp Genetics (formerly Invitae), Labcorp
Classification: Pathogenic for Early-infantile DEE. Last evaluated: 2022-06-29. Review status: criteria provided, single submitter. Criteria: Invitae Variant Classification Sherloc (09022015). Collection method: clinical testing. Allele origin: germline.
Comment: Advanced modeling of protein sequence and biophysical properties (such as structural, functional, and spatial information, amino acid conservation, physicochemical variation, residue mobility, and thermodynamic stability) performed at Invitae indicates that this missense variant is expected to disrupt KCNQ2 protein function. For these reasons, this variant has been classified as Pathogenic. This missense change has been observed in individual(s) with clinical features of KCNQ2-related conditions (Invitae). In at least one individual the variant was observed to be de novo. This sequence change replaces tyrosine, which is neutral and polar, with asparagine, which is neutral and polar, at codon 562 of the KCNQ2 protein (p.Tyr562Asn). This variant is not present in population databases (gnomAD no frequency).